The following is an entry in ClinVar:

NM_006361.6(HOXB13):c.128del (p.Met43fs)

Gene: HOXB13 (homeobox B13; minus strand). Cytogenetic location: 17q21.32.
Variant type: Deletion.
Coding change: c.128del on transcript NM_006361.6 (MANE Select); coding-DNA position 128, one base deleted (T; older notation c.128delT).
Protein change: p.Met43fs; shifts the reading frame from methionine 43.
Molecular consequence: frameshift variant.
Genome position (GRCh38, 1-based): chr17:48,728,466, A deleted on the plus strand (T on the coding strand, the reverse complement: HOXB13 is on the minus strand). VCF-style (leftmost placement, unchanged base first): chr17-48728465-CA-C. GRCh37 (hg19) VCF-style: chr17-46805827-CA-C.
Other names: short protein forms M43fs.
Identifiers: ClinVar variation 5022710 (VCV005022710.1).
Genomic context (GRCh38, chr17:48,728,465, plus strand): 5'-GCATTGCTTTGGCGGCTCCGCCGAGCCTGGCAGATCCAAGGGGGCATAGTTGACAGCAGG[CA>C]TCAGCGTAGGCGCCGCTGGGTGGCTGGTCAGAGGGGAGTGGGCGACCAGATTCCGCCCCC-3'

ClinVar aggregate classification (germline): Uncertain significance (1 of 4 stars; one submission).

Conditions:
Hereditary cancer-predisposing syndrome. Also called: Neoplastic Syndromes, Hereditary; Tumor predisposition; Hereditary neoplastic syndrome; Hereditary Cancer Syndrome. Identifiers: Orphanet 140162, MedGen C0027672, MeSH D009386, MONDO:0015356.

Submission:

Ambry Genetics
Classification: Uncertain significance for Hereditary cancer-predisposing syndrome. Last evaluated: 2026-09-08. Review status: criteria provided, single submitter. Criteria: Ambry Variant Classification Scheme 2023. Collection method: clinical testing. Allele origin: germline.
Comment: The c.128delT variant, located in coding exon 1 of the HOXB13 gene, results from a deletion of one nucleotide at nucleotide position 128, causing a translational frameshift with a predicted alternate stop codon (p.M43Sfs*55). This alteration is expected to result in loss of function by premature protein truncation or nonsense-mediated mRNA decay. This variant is expected to result in protein truncation or nonsense-mediated mRNA decay. However, loss of function has not been established as a mechanism of disease. Based on the available evidence, the clinical significance of this variant remains unclear.